The following is an entry in ClinVar:

ClinVar aggregate classification (germline): Pathogenic (1 of 4 stars; one submission).

Conditions:
Long QT syndrome (LQTS). Identifiers: MedGen C0023976, MeSH D008133, MONDO:0002442. Disease mechanism: loss of function. Inheritance: Various modes of inheritance.

Submission:

Labcorp Genetics (formerly Invitae), Labcorp
Classification: Pathogenic for Long QT syndrome. Last evaluated: 2022-02-06. Review status: criteria provided, single submitter. Criteria: Invitae Variant Classification Sherloc (09022015). Collection method: clinical testing. Allele origin: germline.
Comment: For these reasons, this variant has been classified as Pathogenic. Algorithms developed to predict the effect of sequence changes on RNA splicing suggest that this variant may create or strengthen a splice site. This variant has not been reported in the literature in individuals affected with KCNH2-related conditions. This variant is not present in population databases (gnomAD no frequency). This sequence change creates a premature translational stop signal (p.Tyr812*) in the KCNH2 gene. It is expected to result in an absent or disrupted protein product. Loss-of-function variants in KCNH2 are known to be pathogenic (PMID: 10973849, 19862833).

Literature cited by the submitters: PubMed 10973849; PubMed 19862833.

NM_000238.4(KCNH2):c.2436T>A (p.Tyr812Ter)

Gene: KCNH2 (potassium voltage-gated channel subfamily H member 2; minus strand). Cytogenetic location: 7q36.1.
Variant type: single nucleotide variant.
Coding change: c.2436T>A on transcript NM_000238.4 (MANE Select); coding-DNA position 2436, T replaced by A.
Protein change: p.Tyr812Ter; replaces tyrosine 812 with a stop codon.
Molecular consequence: nonsense.
Genome position (GRCh38, 1-based): chr7:150,949,012, A>T on the plus strand (T>A on the coding strand, the complement: KCNH2 is on the minus strand). VCF-style: chr7-150949012-A-T. GRCh37 (hg19) VCF-style: chr7-150646100-A-T.
Other names: c.1416T>A, p.Tyr472Ter (NM_172057.3); short protein forms Y472*, Y812*.
Identifiers: ClinVar variation 1455507 (VCV001455507.6), dbSNP rs1801032151, ClinGen allele CA369855308.
Genomic context (GRCh38, chr7:150,949,012, plus strand): 5'-CTTGTGTAGGTCACAGTAGGTGAGGGCCCGCACATCCCCGTTCGACTTGCCAGGCCTTGC[A>T]TACAGGTTCAGAGGCTCCCCAAAGATGTCATTCTTCCCTGGAGGCCATGGAGAGGACAGG-3'